The following is an entry in ClinVar:

NM_004064.5(CDKN1B):c.212A>G (p.Glu71Gly)

Gene: CDKN1B (cyclin dependent kinase inhibitor 1B; plus strand). Cytogenetic location: 12p13.1.
Variant type: single nucleotide variant.
Coding change: c.212A>G on transcript NM_004064.5 (MANE Select); coding-DNA position 212, A replaced by G.
Protein change: p.Glu71Gly; replaces glutamic acid 71 with glycine.
Molecular consequence: missense variant.
Genome position (GRCh38, 1-based): chr12:12,718,051, A>G. VCF-style: chr12-12718051-A-G. GRCh37 (hg19) VCF-style: chr12-12870985-A-G.
Other names: c.212A>G (NM_004064.3); short protein forms E71G.
Identifiers: ClinVar variation 1000692 (VCV001000692.10), dbSNP rs770564585, ClinGen allele CA383969538.

ClinVar aggregate classification (germline): Uncertain significance. Review status: criteria provided, multiple submitters, no conflicts (2 of 4 stars). 2 submissions from 2 submitters: Uncertain significance (2). Last evaluated 2024-12-02.

Conditions:
Hereditary cancer-predisposing syndrome. Also called: Hereditary neoplastic syndrome; Neoplastic Syndromes, Hereditary; Tumor predisposition; Hereditary Cancer Syndrome. Identifiers: Orphanet 140162, MedGen C0027672, MeSH D009386, MONDO:0015356.
Multiple endocrine neoplasia type 4. Also called: MULTIPLE ENDOCRINE NEOPLASIA, TYPE IV. Identifiers: Orphanet 276152, MedGen C1970712, MONDO:0012552, OMIM 610755.

Allele frequency attached by ClinVar (database versions not stated): gnomAD exomes below 0.00001.
gnomAD v4.1: 3 of 1,614,264 alleles (0.00019%); highest among the groups gnomAD compares: South Asian, 0.0033%; no homozygotes.

Submissions (2):

Labcorp Genetics (formerly Invitae), Labcorp
Classification: Uncertain significance for Multiple endocrine neoplasia type 4. Last evaluated: 2024-12-02. Review status: criteria provided, single submitter. Criteria: Invitae Variant Classification Sherloc (09022015). Collection method: clinical testing. Allele origin: germline.
Comment: This sequence change replaces glutamic acid, which is acidic and polar, with glycine, which is neutral and non-polar, at codon 71 of the CDKN1B protein (p.Glu71Gly). This variant is not present in population databases (gnomAD no frequency). This variant has not been reported in the literature in individuals affected with CDKN1B-related conditions. ClinVar contains an entry for this variant (Variation ID: 1000692). An algorithm developed to predict the effect of missense changes on protein structure and function (PolyPhen-2) suggests that this variant is likely to be tolerated. In summary, the available evidence is currently insufficient to determine the role of this variant in disease. Therefore, it has been classified as a Variant of Uncertain Significance.

Ambry Genetics
Classification: Uncertain significance for Hereditary cancer-predisposing syndrome. Last evaluated: 2023-07-13. Review status: criteria provided, single submitter. Criteria: Ambry Variant Classification Scheme 2023. Collection method: clinical testing. Allele origin: germline.
Comment: The p.E71G variant (also known as c.212A>G), located in coding exon 1 of the CDKN1B gene, results from an A to G substitution at nucleotide position 212. The glutamic acid at codon 71 is replaced by glycine, an amino acid with similar properties. This amino acid position is conserved. In addition, this alteration is predicted to be tolerated by in silico analysis. Since supporting evidence is limited at this time, the clinical significance of this alteration remains unclear.